The following is an entry in ClinVar:

ClinVar aggregate classification (germline): Uncertain significance. Review status: criteria provided, multiple submitters, no conflicts (2 of 4 stars). 2 submissions from 2 submitters: Uncertain significance (2). Last evaluated 2025-08-17.

Conditions:
Hypertrophic cardiomyopathy 11. Also called: ACTC1-Related Familial Hypertrophic Cardiomyopathy. Identifiers: MedGen C2677506, MONDO:0012799, OMIM 612098.
Atrial septal defect 5 (ASD5). Identifiers: Orphanet 1478, MedGen C2748552, MONDO:0013011, OMIM 612794.
Dilated cardiomyopathy 1R (CMD1R). Identifiers: Orphanet 154, Orphanet 54260, MedGen C3150681, MONDO:0013261, OMIM 613424.
Cardiovascular phenotype. Identifiers: MedGen CN230736.

Submissions (2):

Labcorp Genetics (formerly Invitae), Labcorp
Classification: Uncertain significance for Dilated cardiomyopathy 1R; Hypertrophic cardiomyopathy 11; Atrial septal defect 5. Last evaluated: 2025-08-17. Review status: criteria provided, single submitter. Criteria: Invitae Variant Classification Sherloc (09022015). Collection method: clinical testing. Allele origin: germline.
Comment: This sequence change replaces proline, which is neutral and non-polar, with serine, which is neutral and polar, at codon 324 of the ACTC1 protein (p.Pro324Ser). This variant is not present in population databases (gnomAD no frequency). This missense change has been observed in individual(s) with left ventricular noncompaction (PMID: 34036930). ClinVar contains an entry for this variant (Variation ID: 263668). Invitae Evidence Modeling of protein sequence and biophysical properties (such as structural, functional, and spatial information, amino acid conservation, physicochemical variation, residue mobility, and thermodynamic stability) indicates that this missense variant is not expected to disrupt ACTC1 protein function with a negative predictive value of 80%. In summary, the available evidence is currently insufficient to determine the role of this variant in disease. Therefore, it has been classified as a Variant of Uncertain Significance.

Ambry Genetics
Classification: Uncertain significance for Cardiovascular phenotype. Last evaluated: 2013-07-31. Review status: criteria provided, single submitter. Criteria: Ambry Autosomal Dominant and X-Linked criteria (10/2015). Collection method: clinical testing. Allele origin: germline. Observed: 1 variant allele.
Comment: The p.P324S variant (also known as c.970C>T) is located in coding exon 5 of the ACTC1 gene. This alteration results from a C to T substitution at nucleotide position 970. The proline at codon 324 is replaced by serine, an amino acid with similar properties.Ã¢â‚¬â€¹Ã¢â‚¬â€¹This variant was not reported in population-based cohorts in the following databases: Database of Single Nucleotide Polymorphisms (dbSNP), the 1000 Genomes Project and the NHLBI Exome Sequencing Project (ESP). In the ESP, this variant was not observed in 6499 samples (12998 alleles) with coverage at this position. Based on protein sequence alignment, this amino acid position is highly conserved in available vertebrate species. This alteration is predicted to be probably damaging by Polyphen yet tolerated by SIFT in silico analyses. Since supporting evidence is limited at this time, the clinical significance of this variant remains unclear.Ã¢â‚¬â€¹

Literature cited by the submitters: PubMed 34036930 (cited by Labcorp Genetics (formerly Invitae), Labcorp).

NM_005159.5(ACTC1):c.970C>T (p.Pro324Ser)

Genes: ACTC1 (actin alpha cardiac muscle 1; minus strand), GJD2-DT (GJD2 divergent transcript; plus strand). Cytogenetic location: 15q14.
Variant type: single nucleotide variant.
Coding change: c.970C>T on transcript NM_005159.5 (MANE Select); coding-DNA position 970, C replaced by T.
Protein change: p.Pro324Ser; replaces proline 324 with serine.
Molecular consequence: missense variant.
Genome position (GRCh38, 1-based): chr15:34,791,134, G>A on the plus strand (C>T on the coding strand, the complement: ACTC1 is on the minus strand). VCF-style: chr15-34791134-G-A. GRCh37 (hg19) VCF-style: chr15-35083335-G-A.
Other names: c.970C>T (LRG_388t1); short protein forms P324S.
Identifiers: ClinVar variation 263668 (VCV000263668.4), dbSNP rs886038880, ClinGen allele CA10587780.